The following is an entry in ClinVar:

NM_014055.4(IFT81):c.1716+8A>G

Gene: IFT81 (intraflagellar transport 81; plus strand). Cytogenetic location: 12q24.11.
Variant type: single nucleotide variant.
Coding change: c.1716+8A>G on transcript NM_014055.4 (MANE Select); 8 bases into the intron after coding-DNA position 1716, A replaced by G.
Molecular consequence: intron variant.
Genome position (GRCh38, 1-based): chr12:110,205,522, A>G. VCF-style: chr12-110205522-A-G. GRCh37 (hg19) VCF-style: chr12-110643327-A-G.
Other names: c.786+8A>G (NM_001347948.2, NM_001347947.2); c.1716+8A>G (NM_001143779.2, NM_014055.3).
Identifiers: ClinVar variation 1101718 (VCV001101718.11), dbSNP rs578093298, ClinGen allele CA6783455.

ClinVar aggregate classification (germline): Likely benign. Review status: criteria provided, multiple submitters, no conflicts (2 of 4 stars). 3 submissions from 3 submitters: Likely benign (3). Last evaluated 2026-09-04.

Conditions:
IFT81-related disorder. Also called: IFT81-related condition.

Allele frequency attached by ClinVar (database versions not stated): gnomAD 0.00010 and 0.00013; gnomAD exomes 0.00015 and 0.00027; 1000 Genomes Project 30x 0.00016; 1000 Genomes Project 0.00020; TOPMed 0.00022; ExAC 0.00023.
gnomAD v4.1: 228 of 1,590,594 alleles (0.014%); highest among the groups gnomAD compares: South Asian, 0.11%; no homozygotes.

Submissions (3):

PreventionGenetics, part of Exact Sciences
Classification: Likely benign for IFT81-related condition. Last evaluated: 2026-09-04. Review status: criteria provided, single submitter. Criteria: ACMG Guidelines, 2015. Collection method: clinical testing. Allele origin: germline.
Comment: This variant is classified as likely benign based on ACMG/AMP sequence variant interpretation guidelines (Richards et al. 2015 PMID: 25741868, with internal and published modifications).

Labcorp Genetics (formerly Invitae), Labcorp
Classification: Likely benign. Last evaluated: 2026-01-05. Review status: criteria provided, single submitter. Criteria: Invitae Variant Classification Sherloc (09022015). Collection method: clinical testing. Allele origin: germline.

Blueprint Genetics
Classification: Likely benign. Last evaluated: 2024-07-12. Review status: criteria provided, single submitter. Criteria: ACMG Guidelines, 2015. Collection method: clinical testing. Allele origin: germline.